The following is an entry in ClinVar:

NM_014633.5(CTR9):c.2291T>C (p.Leu764Ser)

Gene: CTR9 (CTR9 homolog, Paf1/RNA polymerase II complex component; plus strand). Cytogenetic location: 11p15.4.
Variant type: single nucleotide variant.
Coding change: c.2291T>C on transcript NM_014633.5 (MANE Select); coding-DNA position 2291, T replaced by C.
Protein change: p.Leu764Ser; replaces leucine 764 with serine.
Molecular consequence: missense variant.
Genome position (GRCh38, 1-based): chr11:10,770,551, T>C. VCF-style: chr11-10770551-T-C. GRCh37 (hg19) VCF-style: chr11-10792098-T-C.
Other names: c.2291T>C, p.Leu764Ser (NM_001346279.2); short protein forms L764S.
Identifiers: ClinVar variation 2662528 (VCV002662528.1), dbSNP rs2539387120, ClinGen allele CA379675200.
Genomic context (GRCh38, chr11:10,770,551, plus strand): 5'-GACATGTGGCACCCAGTGATACAGTTCTTATGTTTAATGTGGCCTTGGTCCTGCAAAGAT[T>C]AGCTACCTCTGTCCTGAAAGATGAAAAAAGTAATCTGAAGGAAGTACTTAATGCTGTGAA-3'
Protein context (NP_055448.1, residues 754-774): MFNVALVLQR[Leu764Ser]ATSVLKDEKS

ClinVar aggregate classification (germline): Uncertain significance (1 of 4 stars; one submission).

Submission:

GeneDx
Classification: Uncertain significance. Last evaluated: 2023-04-10. Review status: criteria provided, single submitter. Criteria: GeneDx Variant Classification Process June 2021. Collection method: clinical testing. Allele origin: germline. Affected: yes.
Comment: Not observed at significant frequency in large population cohorts (gnomAD); In silico analysis supports that this missense variant has a deleterious effect on protein structure/function; Has not been previously published as pathogenic or benign to our knowledge